The following is an entry in ClinVar:

ClinVar aggregate classification (germline): Uncertain significance (1 of 4 stars; one submission).

Allele frequency attached by ClinVar (database versions not stated): gnomAD exomes below 0.00001; gnomAD 0.00001; TOPMed 0.00001.
gnomAD v4.1: 2 of 1,610,602 alleles (0.00012%); highest among the groups gnomAD compares: Non-Finnish European, 0.00017%; no homozygotes.

Submission:

Labcorp Genetics (formerly Invitae), Labcorp
Classification: Uncertain significance. Last evaluated: 2023-02-22. Review status: criteria provided, single submitter. Criteria: Invitae Variant Classification Sherloc (09022015). Collection method: clinical testing. Allele origin: germline.
Comment: In summary, the available evidence is currently insufficient to determine the role of this variant in disease. Therefore, it has been classified as a Variant of Uncertain Significance. An algorithm developed to predict the effect of missense changes on protein structure and function (PolyPhen-2) suggests that this variant is likely to be disruptive. This variant has not been reported in the literature in individuals affected with RORB-related conditions. This variant is not present in population databases (gnomAD no frequency). This sequence change replaces glutamine, which is neutral and polar, with proline, which is neutral and non-polar, at codon 328 of the RORB protein (p.Gln328Pro).

NM_006914.4(RORB):c.983A>C (p.Gln328Pro)

Gene: RORB (RAR related orphan receptor B; plus strand). Cytogenetic location: 9q21.13.
Variant type: single nucleotide variant.
Coding change: c.983A>C on transcript NM_006914.4 (MANE Select); coding-DNA position 983, A replaced by C.
Protein change: p.Gln328Pro; replaces glutamine 328 with proline.
Molecular consequence: missense variant.
Genome position (GRCh38, 1-based): chr9:74,665,578, A>C. VCF-style: chr9-74665578-A-C. GRCh37 (hg19) VCF-style: chr9-77280494-A-C.
Other names: c.1016A>C, p.Gln339Pro (NM_001365023.1); short protein forms Q328P, Q339P.
Identifiers: ClinVar variation 3006741 (VCV003006741.3), dbSNP rs1470351328, ClinGen allele CA373771173.